The following is an entry in ClinVar:

ClinVar aggregate classification (germline): Likely pathogenic (1 of 4 stars; one submission).

Submission:

Labcorp Genetics (formerly Invitae), Labcorp
Classification: Likely pathogenic. Last evaluated: 2024-10-14. Review status: criteria provided, single submitter. Criteria: Invitae Variant Classification Sherloc (09022015). Collection method: clinical testing. Allele origin: germline.
Comment: This variant results in the deletion of part of exon 6 (c.650_664+52del) of the TMPRSS15 gene. It is expected to disrupt RNA splicing. Variants that disrupt the donor or acceptor splice site typically lead to a loss of protein function (PMID: 16199547), and loss-of-function variants in TMPRSS15 are known to be pathogenic (PMID: 11719902). This variant is not present in population databases (gnomAD no frequency). This variant has not been reported in the literature in individuals affected with TMPRSS15-related conditions. In summary, the currently available evidence indicates that the variant is pathogenic, but additional data are needed to prove that conclusively. Therefore, this variant has been classified as Likely Pathogenic.

Literature cited by the submitters: PubMed 16199547; PubMed 11719902.

NM_002772.3(TMPRSS15):c.650_664+52del

Gene: TMPRSS15 (transmembrane serine protease 15; minus strand). Cytogenetic location: 21q21.1.
Variant type: Deletion.
Coding change: c.650_664+52del on transcript NM_002772.3 (MANE Select); coding-DNA position 650 through 52 bases into the intron after coding-DNA position 664, 67 bases deleted.
Molecular consequence: splice donor variant.
Genome position (GRCh38, 1-based): chr21:18,372,141-18,372,207, 67 bases deleted. GRCh37 (hg19): chr21:19,744,458-19,744,524.
Other names: c.650_664+52del (NM_001428057.1); c.785_799+52del (NM_001428056.1).
Identifiers: ClinVar variation 3722895 (VCV003722895.2).